The following is an entry in ClinVar:

ClinVar aggregate classification (germline): Uncertain significance (0 of 4 stars; one submission).

Conditions:
Autism (AUTS). Also called: Autistic disorder; Autistic disorder of childhood onset. Identifiers: MedGen C0004352, MeSH D001321, MONDO:0005260, OMIM 209850, HP:0000717.

gnomAD v4.1: 67 of 1,613,976 alleles (0.0042%); highest among the groups gnomAD compares: East Asian, 0.0089%; no homozygotes.

Submissions (2):

Centre for Addiction & Mental Health
Classification: Uncertain significance for Autism. Review status: no assertion criteria provided. Collection method: research. Allele origin: biparental. Affected: yes. Observed: 1 homozygote. Segregation with disease observed.
Comment: Gene not previously associated with disease; independent supportng evidence needed

Dr. Peter K. Rogan Lab, Western University
No classification provided (evidence only). Condition: Sarcoma. Review status: no classification provided. Collection method: in vitro. Allele origin: not applicable. Functional consequence: skipped exon, retained intron. Not counted in ClinVar's aggregate classification.

NM_152755.2(CNPY4):c.245+1G>C

Genes: CNPY4 (canopy FGF signaling regulator 4; plus strand), TAF6 (TATA-box binding protein associated factor 6; minus strand). Cytogenetic location: 7q22.1.
Variant type: single nucleotide variant.
Coding change: c.245+1G>C on transcript NM_152755.2 (MANE Select); the canonical splice donor site of the intron after coding-DNA position 245, G replaced by C.
Molecular consequence: splice donor variant.
Genome position (GRCh38, 1-based): chr7:100,122,386, G>C. VCF-style: chr7-100122386-G-C. GRCh37 (hg19) VCF-style: chr7-99720009-G-C.
Other names: NC_000007.13:g.99720009G>C.
Identifiers: ClinVar variation 3338207 (VCV003338207.3).
Genomic context (GRCh38, chr7:100,122,386, plus strand): 5'-GGAGCTGGGGCAGGTGCTGGATACAGGCAAGAGGAAGAGACACGTGCCTTACAGCGTTTC[G>C]TGAGTCCTTCGTGCTCCTCCCCTTTCCAACCCCCAACGGAGCCCTGGGAGTTCCTACAGC-3'